The following is an entry in ClinVar:

NM_000536.4(RAG2):c.590T>C (p.Leu197Pro)

Gene: RAG2 (recombination activating 2; minus strand). Cytogenetic location: 11p12.
Variant type: single nucleotide variant.
Coding change: c.590T>C on transcript NM_000536.4 (MANE Select); coding-DNA position 590, T replaced by C.
Protein change: p.Leu197Pro; replaces leucine 197 with proline.
Molecular consequence: missense variant.
Genome position (GRCh38, 1-based): chr11:36,593,579, A>G on the plus strand (T>C on the coding strand, the complement: RAG2 is on the minus strand). VCF-style: chr11-36593579-A-G. GRCh37 (hg19) VCF-style: chr11-36615129-A-G.
Other names: RAG2; c.590T>C, p.Leu197Pro (NM_001243785.2, NM_001243786.2); short protein forms L197P.
Identifiers: ClinVar variation 5016470 (VCV005016470.1).

ClinVar aggregate classification (germline): VUS-high (1 of 4 stars; one submission).

Conditions:
Combined immunodeficiency with skin granulomas. Identifiers: Orphanet 157949, MedGen C2673536, MONDO:0009306, OMIM 233650.

Submission:

Department of Medical Immunology, Beni Messous University Hospital Center
Classification: VUS-high for Combined immunodeficiency with skin granulomas. Last evaluated: 2023-06-17. Review status: criteria provided, single submitter. Criteria: ACMG Guidelines, 2015. Collection method: clinical testing. Allele origin: germline. Inheritance: Autosomal recessive inheritance. Affected: yes. Observed: 1 variant allele, 1 homozygote.
Comment: RAG1 NM_000448.3 c.2369C>G (p.Thr790Arg) is a homozygous missense variant in exon 2, the single large coding exon that contains essentially the entire RAG1 protein-coding sequence, predicted to replace a small, polar threonine with a large, positively charged arginine at residue 790, within the ZnC2 zinc-binding domain (719–791) that helps stabilize the RAG1 core needed for its V(D)J recombinase activity; it is absent from gnomAD (frequency 0) and unreported in ClinVar/HGMD, though this absence carries less weight given that North African/Maghrebi ancestry is poorly represented in population reference databases, and all seven in silico predictors concordantly call it damaging (CADD 27.5, REVEL 0.8, SIFT "Deleterious" 0.00, PolyPhen-2 "Probably damaging" 0.998, MutationTaster "Disease causing," AlphaMissense 0.9379, EVE 0.664), yet under ACMG/AMP rules this computational agreement only counts as supporting evidence

Literature cited by the submitters: DOI 10.70962/jhi.20260168.